The following is an entry in ClinVar:

ClinVar aggregate classification (germline): Uncertain significance (1 of 4 stars; one submission).

Conditions:
DIAPH3-related disorder. Also called: DIAPH3-related condition.

gnomAD v4.1: 1 of 1,613,104 alleles (0.000062%); highest among the groups gnomAD compares: African/African-American, 0.0013%; no homozygotes.

Submission:

PreventionGenetics, part of Exact Sciences
Classification: Uncertain significance for DIAPH3-related condition. Last evaluated: 2024-10-11. Review status: criteria provided, single submitter. Criteria: ACMG Guidelines, 2015. Collection method: clinical testing. Allele origin: germline.
Comment: The DIAPH3 c.1991G>C variant is predicted to result in the amino acid substitution p.Ser664Thr. To our knowledge, this variant has not been reported in the literature or in a large population database (gnomAD), indicating this variant is rare. At this time, the clinical significance of this variant is uncertain due to the absence of conclusive functional and genetic evidence.

NM_001042517.2(DIAPH3):c.2737+43G>C

Gene: DIAPH3 (diaphanous related formin 3; minus strand). Cytogenetic location: 13q21.2.
Variant type: single nucleotide variant.
Coding change: c.2737+43G>C on transcript NM_001042517.2 (MANE Select); 43 bases into the intron after coding-DNA position 2737, G replaced by C.
Molecular consequence: intron variant. On other transcripts: missense variant (1).
Genome position (GRCh38, 1-based): chr13:59,861,364, C>G on the plus strand (G>C on the coding strand, the complement: DIAPH3 is on the minus strand). VCF-style: chr13-59861364-C-G. GRCh37 (hg19) VCF-style: chr13-60435498-C-G.
Other names: c.1991G>C, p.Ser664Thr (NM_001258370.2); c.2527+43G>C (NM_001258368.2); c.2599+43G>C (NM_001258367.2); c.2704+43G>C (NM_001258366.2); c.2737+43G>C (NM_001258369.2); c.1948+43G>C (NM_030932.4); short protein forms S664T.
Identifiers: ClinVar variation 4977870 (VCV004977870.1).
Genomic context (GRCh38, chr13:59,861,364, plus strand): 5'-ACACTGTGAGAAAGTGGAAAGTACATACAAATAAAAGGTATAATTTTCAGTCTTTTAGCA[C>G]TGAAGATCAGAGCCATGAAATGTTTCTTAAAAAGGCACAAACCTTTACTAGCTTTGTCTA-3'